The following is an entry in ClinVar:

ClinVar aggregate classification (germline): Uncertain significance (1 of 4 stars; one submission).

Conditions:
Glycogen storage disease IXd (GSD9D). Also called: GSD IXd; Muscle Phosphorylase Kinase Deficiency. Identifiers: Orphanet 715, MedGen C1845151, MONDO:0010362, OMIM 300559.

Submission:

Labcorp Genetics (formerly Invitae), Labcorp
Classification: Uncertain significance for Glycogen storage disease IXd. Last evaluated: 2023-08-02. Review status: criteria provided, single submitter. Criteria: Invitae Variant Classification Sherloc (09022015). Collection method: clinical testing. Allele origin: germline.
Comment: This sequence change falls in intron 28 of the PHKA1 gene. It does not directly change the encoded amino acid sequence of the PHKA1 protein. It affects a nucleotide within the consensus splice site. In summary, the available evidence is currently insufficient to determine the role of this variant in disease. Therefore, it has been classified as a Variant of Uncertain Significance. Variants that disrupt the consensus splice site are a relatively common cause of aberrant splicing (PMID: 17576681, 9536098). Algorithms developed to predict the effect of sequence changes on RNA splicing suggest that this variant may create or strengthen a splice site. This variant has not been reported in the literature in individuals affected with PHKA1-related conditions. This variant is not present in population databases (gnomAD no frequency).

Literature cited by the submitters: PubMed 17576681; PubMed 9536098.

NM_002637.4(PHKA1):c.3072+3G>A

Gene: PHKA1 (phosphorylase kinase regulatory subunit alpha 1; minus strand). Cytogenetic location: Xq13.1.
Variant type: single nucleotide variant.
Coding change: c.3072+3G>A on transcript NM_002637.4 (MANE Select); 3 bases into the intron after coding-DNA position 3072, G replaced by A.
Molecular consequence: intron variant.
Genome position (GRCh38, 1-based): chrX:72,601,988, C>T on the plus strand (G>A on the coding strand, the complement: PHKA1 is on the minus strand). VCF-style: chrX-72601988-C-T. GRCh37 (hg19) VCF-style: chrX-71821838-C-T.
Other names: c.2856+170G>A (NM_001172436.2); c.3033+170G>A (NM_001122670.2).
Identifiers: ClinVar variation 2749439 (VCV002749439.3), dbSNP rs2522405052, ClinGen allele CA2694088067.